The following is an entry in ClinVar:

ClinVar aggregate classification (germline): Uncertain significance (1 of 4 stars; one submission).

Conditions:
Familial acute necrotizing encephalopathy (IIAE3). Also called: ENCEPHALOPATHY, ACUTE, INFECTION-INDUCED, SUSCEPTIBILITY TO, 3; Susceptibility to Acute Necrotizing Encephalopathy 1. Identifiers: Orphanet 88619, MedGen C2675556, MONDO:0011953, OMIM 608033.

Allele frequency attached by ClinVar (database versions not stated): ExAC 0.00002; gnomAD exomes 0.00002 and 0.00003; gnomAD 0.00004; TOPMed 0.00005; ESP Exome Variant Server 0.00023.
gnomAD v4.1: 28 of 1,613,970 alleles (0.0017%); highest among the groups gnomAD compares: African/African-American, 0.012%; no homozygotes.

Submission:

Labcorp Genetics (formerly Invitae), Labcorp
Classification: Uncertain significance for Familial acute necrotizing encephalopathy. Last evaluated: 2020-10-07. Review status: criteria provided, single submitter. Criteria: Invitae Variant Classification Sherloc (09022015). Collection method: clinical testing. Allele origin: germline.
Comment: This variant is present in population databases (rs367858316, ExAC 0.01%). This sequence change replaces serine with leucine at codon 1765 of the RANBP2 protein (p.Ser1765Leu). The serine residue is weakly conserved and there is a large physicochemical difference between serine and leucine. This variant has not been reported in the literature in individuals with RANBP2-related conditions. Algorithms developed to predict the effect of missense changes on protein structure and function output the following: SIFT: "Deleterious"; PolyPhen-2: "Benign"; Align-GVGD: "Class C0". The leucine amino acid residue is found in multiple mammalian species, suggesting that this missense change does not adversely affect protein function. These predictions have not been confirmed by published functional studies and their clinical significance is uncertain. In summary, the available evidence is currently insufficient to determine the role of this variant in disease. Therefore, it has been classified as a Variant of Uncertain Significance.

NM_006267.5(RANBP2):c.5294C>T (p.Ser1765Leu)

Gene: RANBP2 (RAN binding protein 2; plus strand). Cytogenetic location: 2q13.
Variant type: single nucleotide variant.
Coding change: c.5294C>T on transcript NM_006267.5 (MANE Select); coding-DNA position 5294, C replaced by T.
Protein change: p.Ser1765Leu; replaces serine 1765 with leucine.
Molecular consequence: missense variant.
Genome position (GRCh38, 1-based): chr2:108,765,833, C>T. VCF-style: chr2-108765833-C-T. GRCh37 (hg19) VCF-style: chr2-109382289-C-T.
Other names: short protein forms S1765L.
Identifiers: ClinVar variation 1018678 (VCV001018678.9), dbSNP rs367858316, ClinGen allele CA1823255.